The following is an entry in ClinVar:

ClinVar aggregate classification (germline): Conflicting classifications of pathogenicity. Review status: criteria provided, conflicting classifications (1 of 4 stars). 2 submissions from 2 submitters: Uncertain significance (1); Likely benign (1). Last evaluated 2025-03-31.

Allele frequency attached by ClinVar (database versions not stated): gnomAD exomes 0.00001; TOPMed 0.00001; ExAC 0.00004.
gnomAD v4.1: 20 of 1,605,690 alleles (0.0012%); highest among the groups gnomAD compares: Middle Eastern, 0.033%; no homozygotes.

Submissions (2):

Labcorp Genetics (formerly Invitae), Labcorp
Classification: Uncertain significance. Last evaluated: 2025-03-31. Review status: criteria provided, single submitter. Criteria: Invitae Variant Classification Sherloc (09022015). Collection method: clinical testing. Allele origin: germline.
Comment: This sequence change falls in intron 4 of the LCA5 gene. It does not directly change the encoded amino acid sequence of the LCA5 protein. It affects a nucleotide within the consensus splice site. This variant is present in population databases (rs749489026, gnomAD 0.04%). This variant has not been reported in the literature in individuals affected with LCA5-related conditions. ClinVar contains an entry for this variant (Variation ID: 2156330). Variants that disrupt the consensus splice site are a relatively common cause of aberrant splicing (PMID: 17576681, 9536098). Algorithms developed to predict the effect of sequence changes on RNA splicing suggest that this variant is not likely to affect RNA splicing. In summary, the available evidence is currently insufficient to determine the role of this variant in disease. Therefore, it has been classified as a Variant of Uncertain Significance.

Blueprint Genetics
Classification: Likely benign. Last evaluated: 2024-07-23. Review status: criteria provided, single submitter. Criteria: ACMG Guidelines, 2015. Collection method: clinical testing. Allele origin: germline.

Literature cited by the submitters: PubMed 17576681 (cited by Labcorp Genetics (formerly Invitae), Labcorp); PubMed 9536098 (cited by Labcorp Genetics (formerly Invitae), Labcorp).

NM_001122769.3(LCA5):c.721-3T>C

Gene: LCA5 (lebercilin LCA5; minus strand). Cytogenetic location: 6q14.1.
Variant type: single nucleotide variant.
Coding change: c.721-3T>C on transcript NM_001122769.3 (MANE Select); 3 bases into the intron before coding-DNA position 721, T replaced by C.
Molecular consequence: intron variant.
Genome position (GRCh38, 1-based): chr6:79,493,753, A>G on the plus strand (T>C on the coding strand, the complement: LCA5 is on the minus strand). VCF-style: chr6-79493753-A-G. GRCh37 (hg19) VCF-style: chr6-80203470-A-G.
Other names: c.721-3T>C (NM_181714.4).
Identifiers: ClinVar variation 2156330 (VCV002156330.3), dbSNP rs749489026, ClinGen allele CA3901039.